The following continues an entry in ClinVar:

NM_002693.3(POLG):c.1399G>A (p.Ala467Thr)

Gene: POLG. ClinVar aggregate classification (germline): Pathogenic/Likely pathogenic. Pathogenic (47); Likely pathogenic (1).

Submissions 32 to 42 of 62:

Institute of Medical Genetics and Applied Genomics, University Hospital Tübingen
Classification: Pathogenic. Last evaluated: 2020-10-23. Review status: criteria provided, single submitter. Criteria: ACMG Guidelines, 2015. Collection method: clinical testing. Allele origin: germline. Inheritance: Unknown mechanism. Affected: yes.

Rady Children's Institute for Genomic Medicine, Rady Children's Hospital San Diego
Classification: Pathogenic for Progressive sclerosing poliodystrophy; Mitochondrial DNA depletion syndrome 4b; Sensory ataxic neuropathy, dysarthria, and ophthalmoparesis; Progressive external ophthalmoplegia with mitochondrial DNA deletions, autosomal recessive 1; Progressive external ophthalmoplegia with mitochondrial DNA deletions, autosomal dominant 1. Last evaluated: 2020-07-21. Review status: criteria provided, single submitter. Criteria: ACMG Guidelines, 2015. Collection method: clinical testing. Allele origin: germline. Affected: yes.
Comment: This variant has been previously reported as a homozygous and a compound heterozygous change in multiple patients and reported to segregate in several families affected by autosomal recessive POLG-related disorders including Alpers-Huttenlocher syndrome (AHS), progressive ataxic neuropathy, Parieto-occipital lobe epilepsy and Mitochondrial neurogastrointestinal encephalomyopathy-like syndrome (PMID: 11431686, 26735972, 15122711, 25286830, 20691285, 15917273). This is the most common AHS-causing variant in the POLG gene. Functional characterization indicates that the p.Ala467Thr variant, which is located near the exonuclease domain in the early linker region of the protein, severely reduces DNA polymerase gamma activity (down to 4% of wild type activity) by compromising the catalytic efficiency of the POLG protein (PMID: 16024923, 15917273). In addition, p.Ala467Thr fails to associate with the POLG2 accessory subunit, which leads to stalling at the replication fork and depletion of mtDNA over time (PMID: 16024923, 27987238, 16368709). The p.Ala467Thr variant is present in the heterozygous state in the gnomAD population database at a frequency of 0.051% (143/282888) and thus is presumed to be rare. In silico analyses support a deleterious effect of the c.1399G>A (p.Ala467Thr) variant on protein function. Based on the available evidence, the c.1399G>A (p.Ala467Thr) variant is classified as Pathogenic.

Genome Diagnostics Laboratory, The Hospital for Sick Children
Classification: Pathogenic for Hereditary spastic paraplegia. Last evaluated: 2020-05-01. Review status: criteria provided, single submitter. Criteria: ACMG Guidelines, 2015. Collection method: clinical testing. Allele origin: germline. Affected: yes.

Baylor Genetics
Classification: Pathogenic for Progressive external ophthalmoplegia with mitochondrial DNA deletions, autosomal dominant 1. Last evaluated: 2020-03-26. Review status: criteria provided, single submitter. Criteria: ACMG Guidelines, 2015. Collection method: clinical testing. Allele origin: unknown. Affected: yes.
Comment: This variant was determined to be pathogenic according to ACMG Guidelines, 2015 [PMID:25741868]. Both variants have been previously reported as disease-causing [PMID 19578034 etc.]

GeneDx
Classification: Pathogenic. Last evaluated: 2019-11-25. Review status: criteria provided, single submitter. Criteria: GeneDx Variant Classification Process June 2021. Collection method: clinical testing. Allele origin: germline. Affected: yes.
Comment: Identified in individuals with autosomal recessive progressive external ophthalmoplegia (arPEO) and has subsequently been identified in patients with Alpers syndrome, sensory ataxic neuropathy dysarthria and ophthalmoparesis (SANDO), and other POLG-related disorders causing epilepsy, ataxia, neuropathy, hepatopathy, and/or myopathy (vanGoethem et al., 2001); Published functional studies demonstrate a damaging effect (Kasahara et al., 2016); In silico analysis, which includes protein predictors and evolutionary conservation, supports a deleterious effect; This variant is associated with the following publications: (PMID: 22616202, 16368709, 11431686, 20837861, 21235791, 21686371, 22189570, 21515089, 22342071, 23448099, 22995991, 15917273, 21993618, 23212759, 18500570, 23430834, 24272679, 23783014, 20576279, 20691285, 20818383, 22931735, 22006280, 21647632, 25286830, 20138553, 21880868, 16024923, 26104464, 26735972, 27987238, 15122711, 15824347, 18783964, 19501198, 19766516, 28771251, 19813183, 19538466, 29588995, 18546343, 24725338, 29655203, 30167885, 30423451, 30369941, 27422324, 31980526, 31589614, 33473333)

Centre for Mendelian Genomics, University Medical Centre Ljubljana
Classification: Pathogenic for Mitochondrial DNA depletion syndrome 4b. Last evaluated: 2019-05-07. Review status: criteria provided, single submitter. Criteria: ACMG Guidelines, 2015. Collection method: clinical testing. Allele origin: unknown. Affected: yes.
Comment: This variant was classified as: Pathogenic. The following ACMG criteria were applied in classifying this variant: PS1,PS3,PM2,PM3,PP3.

Wong Mito Lab, Molecular and Human Genetics, Baylor College of Medicine
Classification: Pathogenic for Progressive sclerosing poliodystrophy. Last evaluated: 2018-10-01. Review status: criteria provided, single submitter. Criteria: ACMG Guidelines, 2015. Collection method: clinical testing. Allele origin: germline.
Comment: The NM_002693.2:c.1399G>A (NP_002684.1:p.Ala467Thr) [GRCH38: NC_000015.10:g.89327201C>T] variant in POLG gene is interpretated to be a Pathogenic based on ACMG guidelines (PMID: 25741868). This variant meets the following evidence codes reported in the ACMG-guideline. PS3:Well established functional studies show a deleterious effect on POLG. PS4:Prevalence of variant in affecteds statistically increased over controls. PM3:Detected in trans with a pathogenic variant for Mitochondrial DNA depletion syndrome 4A (Alpers type) which is a recessive disorder. PP1:This variant is co-segregated with Mitochondrial DNA depletion syndrome 4A (Alpers type) in multiple affected family members. PP4:Patient's phenotype or family history is highly specific for POLG. PP5:Reputable source(s) suggest that the variant is pathogenic. Based on the evidence criteria codes applied, the variant is suggested to be Pathogenic.

Undiagnosed Diseases Network, NIH
Classification: Pathogenic for POLG-related condition. Last evaluated: 2018-06-27. Review status: criteria provided, single submitter. Criteria: ACMG Guidelines, 2015. Collection method: clinical testing. Allele origin: inherited. Inheritance: Autosomal recessive inheritance. Affected: yes. Observed: 1 variant allele, 1 homozygote.
Comment: Submitting this as a novel interpretation as this patient's phenotype does not fit any of the POLG-associated conditions listed in OMIM.

Undiagnosed Diseases Network, NIH
Classification: Pathogenic for Progressive sclerosing poliodystrophy. Last evaluated: 2018-01-03. Review status: criteria provided, single submitter. Criteria: ACMG Guidelines, 2015. Collection method: clinical testing. Allele origin: unknown. Inheritance: Autosomal recessive inheritance. Affected: yes. Observed: 1 variant allele, 1 compound heterozygote. Study: Undiagnosed Diseases Network (NIH), UDN.

Eurofins Ntd Llc (ga)
Classification: Pathogenic. Last evaluated: 2017-12-21. Review status: criteria provided, single submitter. Criteria: EGL Classification Definitions 2015. Collection method: clinical testing. Allele origin: germline. Observed: 10 variant alleles, 9 heterozygotes, 1 homozygote.

Illumina Laboratory Services, Illumina
Classification: Pathogenic for POLG-Related Spectrum Disorders. Last evaluated: 2016-06-14. Review status: criteria provided, single submitter. Criteria: ICSL Variant Classification 20161018. Collection method: clinical testing. Allele origin: germline.
Comment: The c.1399G>A (p.Ala467Thr) variant is well described in the literature as one of the most common mutations associated with POLG-related disorders, particularly Alpert-Huttenlocher syndrome (Chan et al. 2005; Cohen et al. 2014; Rajakulendran et al. 2016). Across a selection of the literature, the p.Ala467Thr variant has been identified in at least 52 patients including 15 in a homozygous state and 37 in a compound heterozygous state (van Goethem et al. 2001; Tzoulis et al. 2006; Tang et al. 2011; Uusimaa et al. 2013; Rajakulendran et al. 2016). In addition the variant has been found in 154 out of 498 patient alleles (31%) (Tang et al. 2011). The p.Ala467Thr variant was found in three out of 229 controls in one study and is reported at a frequency of 0.001400 in the European American population of the Exome Sequencing Project. Functional studies have demonstrated that the p.Ala467Thr variant results in a drastically reduced polymerase gamma activity to 4 - 18% of the wild type, reduced DNA binding capability to 14% of the control value, and a reduction in a processivity due to an impaired interaction with the accessory subunit of the enzyme which then slows the rate of DNA synthesis (Chan et al. 2005; Luoma et al. 2005). Based on the collective evidence the p.Ala467Thr variant is classified as pathogenic for POLG-Related Disorders.